The following is an entry in ClinVar:

ClinVar aggregate classification (germline): Conflicting classifications of pathogenicity. Review status: criteria provided, conflicting classifications (1 of 4 stars). 4 submissions from 4 submitters: Uncertain significance (1); Likely benign (3). Last evaluated 2026-01-14.

Conditions:
Familial isolated deficiency of vitamin E (AVED). Also called: Ataxia with isolated vitamin E deficiency; ATAXIA, FRIEDREICH-LIKE, WITH SELECTIVE VITAMIN E DEFICIENCY. Identifiers: Orphanet 96, MedGen C1848533, MONDO:0010188, OMIM 277460.

Allele frequency attached by ClinVar (database versions not stated): gnomAD 0.00002; TOPMed 0.00003.
gnomAD v4.1: 28 of 1,535,286 alleles (0.0018%); highest among the groups gnomAD compares: Middle Eastern, 0.042%; no homozygotes.

Submissions (4):

Labcorp Genetics (formerly Invitae), Labcorp
Classification: Likely benign. Last evaluated: 2026-01-14. Review status: criteria provided, single submitter. Criteria: Invitae Variant Classification Sherloc (09022015). Collection method: clinical testing. Allele origin: germline.

Athena Diagnostics
Classification: Likely benign. Last evaluated: 2025-05-29. Review status: criteria provided, single submitter. Criteria: Athena Diagnostics Criteria. Collection method: clinical testing. Allele origin: unknown.
Comment: Computational tools yielded predictions that this variant is unlikely to have an effect on normal RNA splicing. This nucleotide position exhibits low evolutionary conservation.

Blueprint Genetics
Classification: Likely benign. Last evaluated: 2023-10-05. Review status: criteria provided, single submitter. Criteria: ACMG Guidelines, 2015. Collection method: clinical testing. Allele origin: germline.

Illumina Laboratory Services, Illumina
Classification: Uncertain significance for Familial isolated deficiency of vitamin E. Last evaluated: 2018-01-12. Review status: criteria provided, single submitter. Criteria: ICSL Variant Classification Criteria 13 December 2019. Collection method: clinical testing. Allele origin: germline.

NM_000370.3(TTPA):c.202C>A (p.Arg68=)

Gene: TTPA (alpha tocopherol transfer protein; minus strand). Cytogenetic location: 8q12.3.
Variant type: single nucleotide variant.
Coding change: c.202C>A on transcript NM_000370.3 (MANE Select); coding-DNA position 202, C replaced by A.
Protein change: p.Arg68=; no amino-acid change (arginine 68 retained).
Molecular consequence: synonymous variant.
Genome position (GRCh38, 1-based): chr8:63,085,820, G>T on the plus strand (C>A on the coding strand, the complement: TTPA is on the minus strand). VCF-style: chr8-63085820-G-T. GRCh37 (hg19) VCF-style: chr8-63998379-G-T.
Identifiers: ClinVar variation 912240 (VCV000912240.14), dbSNP rs973874631, ClinGen allele CA178858397.